The following is an entry in ClinVar:

ClinVar aggregate classification (germline): Uncertain significance. Review status: criteria provided, multiple submitters, no conflicts (2 of 4 stars). 9 submissions from 9 submitters: Uncertain significance (6). 3 of the submissions do not count toward it. Last evaluated 2026-01-11.

Conditions:
C3-related disorder. Also called: C3-related condition.
Atypical hemolytic-uremic syndrome with C3 anomaly. Also called: AHUS, SUSCEPTIBILITY TO, 5. Identifiers: Orphanet 2134, MedGen C2752037, MONDO:0013043, OMIM 612925.
Age related macular degeneration 9. Identifiers: MedGen C1969651, MONDO:0012659, OMIM 611378.
Complement component 3 deficiency. Identifiers: Orphanet 280133, MedGen C3151071, MONDO:0013417, OMIM 613779.
Atypical hemolytic-uremic syndrome. Identifiers: Orphanet 2134, MedGen C2931788, MONDO:0016244.
C3 glomerulonephritis. Also called: Nephropathy due to CFHR5 Deficiency; C3 GLOMERULOPATHY 3. Identifiers: Orphanet 329931, MedGen C4055342, MONDO:0013892, OMIM 614809.

Allele frequency attached by ClinVar (database versions not stated): ESP Exome Variant Server 0.00023; TOPMed 0.00026; gnomAD 0.00027 and 0.00031.
gnomAD v4.1: 331 of 1,613,848 alleles (0.021%); highest among the groups gnomAD compares: Admixed American, 0.087%; no homozygotes.

Submissions (9):

Labcorp Genetics (formerly Invitae), Labcorp
Classification: Uncertain significance. Last evaluated: 2026-01-11. Review status: criteria provided, single submitter. Criteria: Invitae Variant Classification Sherloc (09022015). Collection method: clinical testing. Allele origin: germline.
Comment: This sequence change replaces glycine, which is neutral and non-polar, with arginine, which is basic and polar, at codon 637 of the C3 protein (p.Gly637Arg). This variant is present in population databases (rs149850773, gnomAD 0.06%). This missense change has been observed in individual(s) with C3 glomerulopathy (PMID: 26895476, 31118930, 34714369, 38344720). ClinVar contains an entry for this variant (Variation ID: 1299968). Invitae Evidence Modeling of protein sequence and biophysical properties (such as structural, functional, and spatial information, amino acid conservation, physicochemical variation, residue mobility, and thermodynamic stability) indicates that this missense variant is expected to disrupt C3 protein function with a positive predictive value of 80%. In summary, the available evidence is currently insufficient to determine the role of this variant in disease. Therefore, it has been classified as a Variant of Uncertain Significance.

Genomenon, Inc
Classification: Uncertain significance for C3 glomerulonephritis; Atypical hemolytic-uremic syndrome. Last evaluated: 2025-09-30. Review status: criteria provided, single submitter. Criteria: Genomenon Sequence Variant Interpretation Standards. Collection method: curation. Allele origin: germline. Affected: yes.
Comment: C3 p.Gly637Arg (c.1909G>C) is a missense variant that changes the amino acid at residue 637 from Glycine to Arginine. This variant has been observed in at least one proband affected with a C3-related disorder (PMID:38344720;34714369;26895476;31118930). In silico models agree that this variant is not damaging. In conclusion, we classify C3 p.Gly637Arg (c.1909G>C) as a variant of unknown significance.

Mayo Clinic Laboratories, Mayo Clinic
Classification: Uncertain significance. Last evaluated: 2025-06-27. Review status: criteria provided, single submitter. Criteria: ACMG Guidelines, 2015. Collection method: clinical testing. Allele origin: germline. Observed: 1 variant allele.
Comment: BP4_moderate

CeGaT Center for Human Genetics Tuebingen
Classification: Uncertain significance. Last evaluated: 2025-06-01. Review status: criteria provided, single submitter. Criteria: CeGaT Center For Human Genetics Tuebingen Variant Classification Criteria Version 2. Collection method: clinical testing. Allele origin: germline. Affected: yes. Observed: 1 variant allele.
Comment: C3: PP2

Blueprint Genetics
Classification: Uncertain significance. Last evaluated: 2024-11-13. Review status: criteria provided, single submitter. Criteria: ACMG Guidelines, 2015. Collection method: clinical testing. Allele origin: germline.

Fulgent Genetics
Classification: Uncertain significance for Age related macular degeneration 9; Atypical hemolytic-uremic syndrome with C3 anomaly; Complement component 3 deficiency. Last evaluated: 2024-06-14. Review status: criteria provided, single submitter. Criteria: ACMG Guidelines, 2015. Collection method: clinical testing. Allele origin: germline.

PreventionGenetics, part of Exact Sciences
Classification: Uncertain significance for C3-related condition. Last evaluated: 2024-07-03. Review status: no assertion criteria provided. Collection method: clinical testing. Allele origin: germline. Not counted in ClinVar's aggregate classification.
Comment: The C3 c.1909G>C variant is predicted to result in the amino acid substitution p.Gly637Arg. This variant has been reported in the heterozygous state in an individual with C3 glomerulopathy (Haydock et al. 2022. PubMed ID: 34714369). This variant is reported in 0.051% of alleles in individuals of Latino descent in gnomAD. At this time, the clinical significance of this variant is uncertain due to the absence of conclusive functional and genetic evidence.

Clinical Genetics DNA and cytogenetics Diagnostics Lab, Erasmus MC, Erasmus Medical Center
Classification: Uncertain significance. Review status: no assertion criteria provided. Collection method: clinical testing. Allele origin: germline. Affected: yes. Study: VKGL Data-share Consensus. Not counted in ClinVar's aggregate classification.

Joint Genome Diagnostic Labs from Nijmegen and Maastricht, Radboudumc and MUMC+
Classification: Uncertain significance. Review status: no assertion criteria provided. Collection method: clinical testing. Allele origin: germline. Affected: yes. Study: VKGL Data-share Consensus. Not counted in ClinVar's aggregate classification.

Literature cited by the submitters: PubMed 26895476 (cited by Labcorp Genetics (formerly Invitae), Labcorp and Genomenon, Inc); PubMed 31118930 (cited by Labcorp Genetics (formerly Invitae), Labcorp and Genomenon, Inc); PubMed 34714369 (cited by 3 submitters); PubMed 38344720 (cited by Labcorp Genetics (formerly Invitae), Labcorp and Genomenon, Inc).

NM_000064.4(C3):c.1909G>C (p.Gly637Arg)

Gene: C3 (complement C3; minus strand). Cytogenetic location: 19p13.3.
Variant type: single nucleotide variant.
Coding change: c.1909G>C on transcript NM_000064.4 (MANE Select); coding-DNA position 1909, G replaced by C.
Protein change: p.Gly637Arg; replaces glycine 637 with arginine.
Molecular consequence: missense variant.
Genome position (GRCh38, 1-based): chr19:6,707,866, C>G on the plus strand (G>C on the coding strand, the complement: C3 is on the minus strand). VCF-style: chr19-6707866-C-G. GRCh37 (hg19) VCF-style: chr19-6707877-C-G.
Other names: p.Gly637Arg; c.1909G>C (NM_000064.3); short protein forms G637R.
Identifiers: ClinVar variation 1299968 (VCV001299968.23), dbSNP rs149850773, ClinGen allele CA9129275.